The following is an entry in ClinVar:

ClinVar aggregate classification (germline): Likely benign (0 of 4 stars; one submission).

Conditions:
APOA4-related disorder. Also called: APOA4-related condition.

Allele frequency attached by ClinVar (database versions not stated): gnomAD 0.00004; ESP Exome Variant Server 0.00008; gnomAD exomes 0.00009; TOPMed 0.00014; ExAC 0.00021.

Submission:

PreventionGenetics, part of Exact Sciences
Classification: Likely benign for APOA4-related condition. Last evaluated: 2019-06-25. Review status: no assertion criteria provided. Collection method: clinical testing. Allele origin: germline.
Comment: This variant is classified as likely benign based on ACMG/AMP sequence variant interpretation guidelines (Richards et al. 2015 PMID: 25741868, with internal and published modifications).

NM_000482.4(APOA4):c.7C>T (p.Leu3=)

Gene: APOA4 (apolipoprotein A4; minus strand). Cytogenetic location: 11q23.3.
Variant type: single nucleotide variant.
Coding change: c.7C>T on transcript NM_000482.4 (MANE Select); coding-DNA position 7, C replaced by T.
Protein change: p.Leu3=; no amino-acid change (leucine 3 retained).
Molecular consequence: synonymous variant.
Genome position (GRCh38, 1-based): chr11:116,823,185, G>A on the plus strand (C>T on the coding strand, the complement: APOA4 is on the minus strand). VCF-style: chr11-116823185-G-A. GRCh37 (hg19) VCF-style: chr11-116693901-G-A.
Identifiers: ClinVar variation 3043411 (VCV003043411.2), dbSNP rs373562176, ClinGen allele CA6289577.